The following is an entry in ClinVar:

NM_003331.5(TYK2):c.114C>A (p.Gly38=)

Gene: TYK2 (tyrosine kinase 2; minus strand). Cytogenetic location: 19p13.2.
Variant type: single nucleotide variant.
Coding change: c.114C>A on transcript NM_003331.5 (MANE Select); coding-DNA position 114, C replaced by A.
Protein change: p.Gly38=; no amino-acid change (glycine 38 retained).
Molecular consequence: synonymous variant.
Genome position (GRCh38, 1-based): chr19:10,378,293, G>T on the plus strand (C>A on the coding strand, the complement: TYK2 is on the minus strand). VCF-style: chr19-10378293-G-T. GRCh37 (hg19) VCF-style: chr19-10488969-G-T.
Other names: p.Gly38=; c.114C>A (LRG_121t1).
Identifiers: ClinVar variation 327961 (VCV000327961.19), dbSNP rs56295652, ClinGen allele CA9193887.

ClinVar aggregate classification (germline): Benign. Review status: criteria provided, multiple submitters, no conflicts (2 of 4 stars). 5 submissions from 5 submitters: Benign (5). Last evaluated 2026-02-02.

Conditions:
Immunodeficiency 35 (IMD35). Also called: HIES WITH ATYPICAL MYCOBACTERIOSIS, AUTOSOMAL RECESSIVE; HYPER-IgE SYNDROME WITH ATYPICAL MYCOBACTERIOSIS, AUTOSOMAL RECESSIVE; TYK2 DEFICIENCY; Susceptibility to infection due to TYK2 deficiency. Identifiers: Orphanet 331226, MedGen C1969086, MONDO:0012682, OMIM 611521.

Allele frequency attached by ClinVar (database versions not stated): ESP Exome Variant Server 0.00062; gnomAD 0.00377; TOPMed 0.00389; 1000 Genomes Project 30x 0.01359; 1000 Genomes Project 0.01538.

Submissions (5):

Labcorp Genetics (formerly Invitae), Labcorp
Classification: Benign for Immunodeficiency 35. Last evaluated: 2026-02-02. Review status: criteria provided, single submitter. Criteria: Invitae Variant Classification Sherloc (09022015). Collection method: clinical testing. Allele origin: germline.

Mayo Clinic Laboratories, Mayo Clinic
Classification: Benign. Last evaluated: 2025-07-21. Review status: criteria provided, single submitter. Criteria: ACMG Guidelines, 2015. Collection method: clinical testing. Allele origin: germline. Observed: 1 variant allele.

Illumina Laboratory Services, Illumina
Classification: Benign for Immunodeficiency 35. Last evaluated: 2018-01-13. Review status: criteria provided, single submitter. Criteria: ICSL Variant Classification Criteria 13 December 2019. Collection method: clinical testing. Allele origin: germline.
Comment: This variant was observed in the ICSL laboratory as part of a predisposition screen in an ostensibly healthy population. It had not been previously curated by ICSL or reported in the Human Gene Mutation Database (HGMD: prior to June 1st, 2018), and was therefore a candidate for classification through an automated scoring system. Utilizing variant allele frequency, disease prevalence and penetrance estimates, and inheritance mode, an automated score was calculated to assess if this variant is too frequent to cause the disease. Based on the score and internal cut-off values, a variant classified as benign is not then subjected to further curation. The score for this variant resulted in a classification of benign for this disease.

GeneDx
Classification: Benign. Last evaluated: 2015-03-03. Review status: criteria provided, single submitter. Criteria: GeneDx Variant Classification Process June 2021. Collection method: clinical testing. Allele origin: germline. Affected: yes.

Breakthrough Genomics
Classification: Benign. Review status: criteria provided, single submitter. Criteria: ACMG Guidelines, 2015. Collection method: not provided. Allele origin: germline. Inheritance: Autosomal recessive inheritance. Affected: yes.